The following is an entry in ClinVar:

NM_001876.4(CPT1A):c.968-11G>A

Gene: CPT1A (carnitine palmitoyltransferase 1A; minus strand). Cytogenetic location: 11q13.3.
Variant type: single nucleotide variant.
Coding change: c.968-11G>A on transcript NM_001876.4 (MANE Select); 11 bases into the intron before coding-DNA position 968, G replaced by A.
Molecular consequence: intron variant.
Genome position (GRCh38, 1-based): chr11:68,785,021, C>T on the plus strand (G>A on the coding strand, the complement: CPT1A is on the minus strand). VCF-style: chr11-68785021-C-T. GRCh37 (hg19) VCF-style: chr11-68552489-C-T.
Other names: c.968-11G>A (NM_001031847.3).
Identifiers: ClinVar variation 1392289 (VCV001392289.5), dbSNP rs755131342, ClinGen allele CA6152448.
Genomic context (GRCh38, chr11:68,785,021, plus strand): 5'-TCGATGGTACACGACGATGTGCTTGCTGTCTCTCATGTGCTGGATGGTGTCTGAGCCGGC[C>T]GCAGGTTGGAGACACAAAACCAAGAGTCCCAAGTTCAGCACGTGCTGAGACGACCGTACC-3'

ClinVar aggregate classification (germline): Uncertain significance (1 of 4 stars; one submission).

Conditions:
Carnitine palmitoyl transferase 1A deficiency. Also called: CPT deficiency, hepatic, type IA; Carnitine palmitoyltransferase 1A deficiency; CPT I DEFICIENCY; CPT DEFICIENCY, HEPATIC, TYPE I; Carnitine palmitoyltransferase type I deficiency. Identifiers: Orphanet 156, MedGen C1829703, MONDO:0009705, OMIM 255120.

Allele frequency attached by ClinVar (database versions not stated): gnomAD exomes below 0.00001 and 0.00001; TOPMed below 0.00001; ExAC 0.00001.

Submission:

Labcorp Genetics (formerly Invitae), Labcorp
Classification: Uncertain significance for Carnitine palmitoyl transferase 1A deficiency. Last evaluated: 2021-08-26. Review status: criteria provided, single submitter. Criteria: Invitae Variant Classification Sherloc (09022015). Collection method: clinical testing. Allele origin: germline.
Comment: This sequence change falls in intron 9 of the CPT1A gene. It does not directly change the encoded amino acid sequence of the CPT1A protein. This variant is present in population databases (rs755131342, ExAC 0.002%). This variant has not been reported in the literature in individuals affected with CPT1A-related conditions. Algorithms developed to predict the effect of sequence changes on RNA splicing suggest that this variant may create or strengthen a splice site. In summary, the available evidence is currently insufficient to determine the role of this variant in disease. Therefore, it has been classified as a Variant of Uncertain Significance.